The following is an entry in ClinVar:

NM_000398.7(CYB5R3):c.464-2A>C

Gene: CYB5R3 (cytochrome b5 reductase 3; minus strand). Cytogenetic location: 22q13.2.
Variant type: single nucleotide variant.
Coding change: c.464-2A>C on transcript NM_000398.7 (MANE Select); the canonical splice acceptor site of the intron before coding-DNA position 464, A replaced by C.
Molecular consequence: splice acceptor variant.
Genome position (GRCh38, 1-based): chr22:42,627,690, T>G on the plus strand (A>C on the coding strand, the complement: CYB5R3 is on the minus strand). VCF-style: chr22-42627690-T-G. GRCh37 (hg19) VCF-style: chr22-43023696-T-G.
Other names: IVS5AS, A-C, -2; c.395-2A>C (NM_007326.4, NM_001171661.1, NM_001129819.2); c.563-2A>C (NM_001171660.2).
Identifiers: ClinVar variation 245 (VCV000000245.11), dbSNP rs794728013, ClinGen allele CA212736.

ClinVar aggregate classification (germline): Pathogenic/Likely pathogenic. Review status: criteria provided, multiple submitters, no conflicts (2 of 4 stars). 6 submissions from 6 submitters: Pathogenic (4); Likely pathogenic (1). 1 of the submissions does not count toward it. Last evaluated 2024-12-12.

Conditions:
METHEMOGLOBINEMIA, TYPE II. Identifiers: MedGen C2749560, OMIM 250800.
Deficiency of cytochrome-b5 reductase. Also called: NADH-DEPENDENT METHEMOGLOBIN REDUCTASE DEFICIENCY; METHEMOGLOBINEMIA, CONGENITAL, AUTOSOMAL RECESSIVE. Identifiers: Orphanet 621, MedGen C0268193, MONDO:0009606, OMIM 250800.

Allele frequency attached by ClinVar (database versions not stated): gnomAD exomes 0.00001; gnomAD 0.00003 and 0.00004; TOPMed 0.00005.
gnomAD v4.1: 12 of 1,610,050 alleles (0.00075%); highest among the groups gnomAD compares: African/African-American, 0.016%; no homozygotes.

Submissions (6):

Labcorp Genetics (formerly Invitae), Labcorp
Classification: Pathogenic. Last evaluated: 2024-12-12. Review status: criteria provided, single submitter. Criteria: Invitae Variant Classification Sherloc (09022015). Collection method: clinical testing. Allele origin: germline.
Comment: This sequence change affects an acceptor splice site in intron 5 of the CYB5R3 gene. RNA analysis indicates that disruption of this splice site induces altered splicing and likely results in a shortened protein product. This variant is present in population databases (rs794728013, gnomAD 0.02%). Disruption of this splice site has been observed in individuals with methemoglobinemia (PMID: 9266404; internal data). ClinVar contains an entry for this variant (Variation ID: 245). Studies have shown that disruption of this splice site results in skipping of exon 6, but is expected to preserve the integrity of the reading-frame (PMID: 9266404). For these reasons, this variant has been classified as Pathogenic.

Revvity Omics, Revvity
Classification: Pathogenic for Deficiency of cytochrome-b5 reductase. Last evaluated: 2024-02-19. Review status: criteria provided, single submitter. Criteria: ACMG Guidelines, 2015. Collection method: clinical testing. Allele origin: germline.

Laboratorio de Genetica e Diagnostico Molecular, Hospital Israelita Albert Einstein
Classification: Pathogenic for Deficiency of cytochrome-b5 reductase. Last evaluated: 2022-07-05. Review status: criteria provided, single submitter. Criteria: ACMG Guidelines, 2015. Collection method: clinical testing. Allele origin: germline. Affected: yes. Observed: 1 variant allele.
Comment: ACMG classification criteria: PVS1 very strong, PS3 supporting, PS4 moderated, PM2 moderated, PM3 moderated, PP4

GeneDx
Classification: Likely pathogenic. Last evaluated: 2022-05-05. Review status: criteria provided, single submitter. Criteria: GeneDx Variant Classification Process June 2021. Collection method: clinical testing. Allele origin: germline. Affected: yes.
Comment: Canonical splice site variant expected to result in aberrant splicing, and in vitro studies demonstrate altered splicing (Maran et al., 2005); This variant is associated with the following publications: (PMID: 31898843, 25525159, 15921385, 15744830, 9266404)

Mendelics
Classification: Pathogenic for Deficiency of cytochrome-b5 reductase. Last evaluated: 2019-05-28. Review status: criteria provided, single submitter. Criteria: Mendelics Assertion Criteria 2017. Collection method: clinical testing. Allele origin: unknown.

OMIM
Classification: Pathogenic for METHEMOGLOBINEMIA, TYPE II. Last evaluated: 2005-05-01. Review status: no assertion criteria provided. Collection method: literature only. Allele origin: germline. Not counted in ClinVar's aggregate classification.

Literature cited by the submitters: PubMed 9266404 (cited by Labcorp Genetics (formerly Invitae), Labcorp and OMIM); PubMed 15921385 (cited by OMIM).